The following is an entry in ClinVar:

ClinVar aggregate classification (germline): Uncertain significance (1 of 4 stars; one submission).

Allele frequency attached by ClinVar (database versions not stated): gnomAD exomes below 0.00001.
gnomAD v4.1: 2 of 1,614,174 alleles (0.00012%); highest among the groups gnomAD compares: Non-Finnish European, 0.00017%; no homozygotes.

Submission:

GeneDx
Classification: Uncertain significance. Last evaluated: 2025-10-27. Review status: criteria provided, single submitter. Criteria: GeneDx Variant Classification Process June 2021. Collection method: clinical testing. Allele origin: germline. Affected: yes.
Comment: Not observed at significant frequency in large population cohorts (gnomAD); In silico analysis supports that this missense variant has a deleterious effect on protein structure/function; Has not been previously published as pathogenic or benign to our knowledge.

NM_001001331.4(ATP2B2):c.538C>T (p.Arg180Trp)

Gene: ATP2B2 (ATPase plasma membrane Ca2+ transporting 2; minus strand). Cytogenetic location: 3p25.3.
Variant type: single nucleotide variant.
Coding change: c.538C>T on transcript NM_001001331.4 (MANE Select); coding-DNA position 538, C replaced by T.
Protein change: p.Arg180Trp; replaces arginine 180 with tryptophan.
Molecular consequence: missense variant.
Genome position (GRCh38, 1-based): chr3:10,402,208, G>A on the plus strand (C>T on the coding strand, the complement: ATP2B2 is on the minus strand). VCF-style: chr3-10402208-G-A. GRCh37 (hg19) VCF-style: chr3-10443892-G-A.
Other names: c.538C>T, p.Arg180Trp (NM_001330611.3, NM_001353564.1, NM_001363862.1 and 1 more transcripts); short protein forms R180W.
Identifiers: ClinVar variation 1678824 (VCV001678824.3), dbSNP rs2124971839, ClinGen allele CA351775704.